The following is an entry in ClinVar:

ClinVar aggregate classification (germline): Pathogenic (1 of 4 stars; one submission).

Conditions:
Retinitis pigmentosa 12 (RP12). Also called: RP WITH OR WITHOUT PRESERVED PARAARTERIOLE RETINAL PIGMENT EPITHELIUM; RETINITIS PIGMENTOSA WITH OR WITHOUT PARAARTERIOLAR PRESERVATION OF RETINAL PIGMENT EPITHELIUM; RP WITH OR WITHOUT PPRPE. Identifiers: Orphanet 791, MedGen C1838647, MONDO:0010818, OMIM 600105.
Leber congenital amaurosis 8 (LCA8). Identifiers: Orphanet 65, MedGen C3151202, MONDO:0013453, OMIM 613835.

Submission:

Labcorp Genetics (formerly Invitae), Labcorp
Classification: Pathogenic for Leber congenital amaurosis 8; Retinitis pigmentosa 12. Last evaluated: 2024-03-03. Review status: criteria provided, single submitter. Criteria: Invitae Variant Classification Sherloc (09022015). Collection method: clinical testing. Allele origin: germline.
Comment: This sequence change results in a frameshift in the CRB1 gene (p.Arg1390Profs*32). While this is not anticipated to result in nonsense mediated decay, it is expected to disrupt the last 17 amino acid(s) of the CRB1 protein and extend the protein by 14 additional amino acid residues. This variant is not present in population databases (gnomAD no frequency). This variant has not been reported in the literature in individuals affected with CRB1-related conditions. This variant disrupts a region of the CRB1 protein in which other variant(s) (p.Glu1403Gln) have been determined to be pathogenic (PMID: 24715753, 33090715). This suggests that this is a clinically significant region of the protein, and that variants that disrupt it are likely to be disease-causing. For these reasons, this variant has been classified as Pathogenic.

Literature cited by the submitters: PubMed 24715753; PubMed 33090715.

NM_201253.3(CRB1):c.4168dup (p.Arg1390fs)

Gene: CRB1 (crumbs cell polarity complex component 1; plus strand). Cytogenetic location: 1q31.3.
Variant type: Duplication.
Coding change: c.4168dup on transcript NM_201253.3 (MANE Select); coding-DNA position 4168, one base duplicated (C; older notation c.4168dupC).
Protein change: p.Arg1390fs; shifts the reading frame from arginine 1390.
Molecular consequence: frameshift variant. On other transcripts: non-coding transcript variant (2).
Genome position (GRCh38, 1-based): chr1:197,477,826, C duplicated; the last of 3 consecutive C bases (chr1:197,477,824-197,477,826); duplicating any one gives the same sequence. VCF-style (leftmost placement, unchanged base first): chr1-197477823-T-TC. GRCh37 (hg19) VCF-style: chr1-197446953-T-TC.
Other names: c.3832dup, p.Arg1278fs (NM_001193640.2); c.4096dup, p.Arg1366fs (NM_001257965.2); c.2560dup, p.Arg854fs (NM_001257966.2); short protein forms R1278fs, R1366fs, R1390fs, R854fs.
Identifiers: ClinVar variation 3754966 (VCV003754966.2).